The following is an entry in ClinVar:

ClinVar aggregate classification (germline): Likely pathogenic (1 of 4 stars; one submission).

Conditions:
Charcot-Marie-Tooth disease type 4. Also called: Charcot-Marie-Tooth, Type 4; Charcot-Marie-Tooth disease, type IV. Identifiers: Orphanet 64749, MedGen C4082197, MONDO:0018995.

Submission:

Labcorp Genetics (formerly Invitae), Labcorp
Classification: Likely pathogenic for Charcot-Marie-Tooth disease type 4. Last evaluated: 2017-08-11. Review status: criteria provided, single submitter. Criteria: Invitae Variant Classification Sherloc (09022015). Collection method: clinical testing. Allele origin: germline.
Comment: In summary, the currently available evidence indicates that the variant is pathogenic, but additional data are needed to prove that conclusively. Therefore, this variant has been classified as Likely Pathogenic. Donor and acceptor splice site variants typically lead to a loss of protein function (PMID: 16199547), and loss-of-function variants in SH3TC2 are known to be pathogenic (PMID: 20220177). Algorithms developed to predict the effect of sequence changes on RNA splicing suggest that this variant may disrupt the consensus splice site, but this prediction has not been confirmed by published transcriptional studies. This variant has not been reported in the literature in individuals with SH3TC2-related disease. This variant is not present in population databases (ExAC no frequency). This sequence change affects an acceptor splice site in intron 7 of the SH3TC2 gene. It is expected to disrupt RNA splicing and likely results in an absent or disrupted protein product.

Literature cited by the submitters: PubMed 16199547; PubMed 20220177.

NM_024577.4(SH3TC2):c.806-1G>A

Gene: SH3TC2 (SH3 domain and tetratricopeptide repeats 2; minus strand). Cytogenetic location: 5q32.
Variant type: single nucleotide variant.
Coding change: c.806-1G>A on transcript NM_024577.4 (MANE Select); the canonical splice acceptor site of the intron before coding-DNA position 806, G replaced by A.
Molecular consequence: splice acceptor variant.
Genome position (GRCh38, 1-based): chr5:149,038,491, C>T on the plus strand (G>A on the coding strand, the complement: SH3TC2 is on the minus strand). VCF-style: chr5-149038491-C-T. GRCh37 (hg19) VCF-style: chr5-148418054-C-T.
Identifiers: ClinVar variation 543331 (VCV000543331.7), dbSNP rs1554122560, ClinGen allele CA361673292.
Genomic context (GRCh38, chr5:149,038,491, plus strand): 5'-AATTCAGTTCATCCTTTTCTCCTGGCTCATAACCCGTCAAGGCCTTACAGCGTCCTCTGC[C>T]TGTGGAAAATAGCACACAGATCAGCTACAGAAGACATGAACAGCTGAGCCTCCCATCACC-3'